The following is an entry in ClinVar:

ClinVar aggregate classification (germline): Likely benign (1 of 4 stars; one submission).

Conditions:
PLXNA1-related disorder. Also called: PLXNA1-related condition.

gnomAD v4.1: 4 of 1,613,434 alleles (0.00025%); highest among the groups gnomAD compares: African/African-American, 0.0013%; no homozygotes.

Submission:

PreventionGenetics, part of Exact Sciences
Classification: Likely benign for PLXNA1-related condition. Last evaluated: 2025-06-04. Review status: criteria provided, single submitter. Criteria: ACMG Guidelines, 2015. Collection method: clinical testing. Allele origin: germline.
Comment: This variant is classified as likely benign based on ACMG/AMP sequence variant interpretation guidelines (Richards et al. 2015 PMID: 25741868, with internal and published modifications).

NM_032242.4(PLXNA1):c.4137C>T (p.Arg1379=)

Gene: PLXNA1 (plexin A1; plus strand). Cytogenetic location: 3q21.3.
Variant type: single nucleotide variant.
Coding change: c.4137C>T on transcript NM_032242.4 (MANE Select); coding-DNA position 4137, C replaced by T.
Protein change: p.Arg1379=; no amino-acid change (arginine 1379 retained).
Molecular consequence: synonymous variant.
Genome position (GRCh38, 1-based): chr3:127,022,183, C>T. VCF-style: chr3-127022183-C-T. GRCh37 (hg19) VCF-style: chr3-126741026-C-T.
Identifiers: ClinVar variation 4979128 (VCV004979128.1).